The following is an entry in ClinVar:

NM_001366385.1(CARD14):c.49G>A (p.Glu17Lys)

Gene: CARD14 (caspase recruitment domain family member 14; plus strand). Cytogenetic location: 17q25.3.
Variant type: single nucleotide variant.
Coding change: c.49G>A on transcript NM_001366385.1 (MANE Select); coding-DNA position 49, G replaced by A.
Protein change: p.Glu17Lys; replaces glutamic acid 17 with lysine.
Molecular consequence: missense variant. On other transcripts: non-coding transcript variant (1).
Genome position (GRCh38, 1-based): chr17:80,181,487, G>A. VCF-style: chr17-80181487-G-A. GRCh37 (hg19) VCF-style: chr17-78155286-G-A.
Other names: c.49G>A (NM_024110.3); c.49G>A, p.Glu17Lys (NM_001257970.1, NM_024110.4); short protein forms E17K.
Identifiers: ClinVar variation 1928088 (VCV001928088.7), dbSNP rs2510553696, ClinGen allele CA401352864.

ClinVar aggregate classification (germline): Uncertain significance. Review status: criteria provided, multiple submitters, no conflicts (2 of 4 stars). 3 submissions from 3 submitters: Uncertain significance (3). Last evaluated 2025-09-26.

Conditions:
Inborn genetic diseases. Identifiers: MedGen C0950123, MeSH D030342.
Pityriasis rubra pilaris (PRP). Also called: Pityriasis rubra pilaris--familial type. Identifiers: Orphanet 2897, MedGen C0032027, MONDO:0100017, OMIM 173200, MONDO:0008251.
Psoriasis 2. Identifiers: MedGen C1864497, MONDO:0011269, OMIM 602723.

Allele frequency attached by ClinVar (database versions not stated): gnomAD exomes 0.00001.
gnomAD v4.1: 3 of 1,589,716 alleles (0.00019%); highest among the groups gnomAD compares: Non-Finnish European, 0.00026%; no homozygotes.

Submissions (3):

Ambry Genetics
Classification: Uncertain significance for Inborn genetic diseases. Last evaluated: 2025-09-26. Review status: criteria provided, single submitter. Criteria: Ambry Variant Classification Scheme 2023. Collection method: clinical testing. Allele origin: germline.

Labcorp Genetics (formerly Invitae), Labcorp
Classification: Uncertain significance for Pityriasis rubra pilaris; Psoriasis 2. Last evaluated: 2022-10-26. Review status: criteria provided, single submitter. Criteria: Invitae Variant Classification Sherloc (09022015). Collection method: clinical testing. Allele origin: germline.
Comment: In summary, the available evidence is currently insufficient to determine the role of this variant in disease. Therefore, it has been classified as a Variant of Uncertain Significance. Advanced modeling of protein sequence and biophysical properties (such as structural, functional, and spatial information, amino acid conservation, physicochemical variation, residue mobility, and thermodynamic stability) performed at Invitae indicates that this missense variant is expected to disrupt CARD14 protein function. This variant has not been reported in the literature in individuals affected with CARD14-related conditions. This variant is not present in population databases (gnomAD no frequency). This sequence change replaces glutamic acid, which is acidic and polar, with lysine, which is basic and polar, at codon 17 of the CARD14 protein (p.Glu17Lys).

Blueprint Genetics
Classification: Uncertain significance. Last evaluated: 2021-03-31. Review status: criteria provided, single submitter. Criteria: ACMG Guidelines, 2015. Collection method: clinical testing. Allele origin: germline.